The following is an entry in ClinVar:

NM_000169.3(GLA):c.266T>A (p.Leu89His)

Genes: GLA (galactosidase alpha; minus strand), RPL36A-HNRNPH2 (RPL36A-HNRNPH2 readthrough; plus strand). Cytogenetic location: Xq22.1.
Variant type: single nucleotide variant.
Coding change: c.266T>A on transcript NM_000169.3 (MANE Select); coding-DNA position 266, T replaced by A.
Protein change: p.Leu89His; replaces leucine 89 with histidine.
Molecular consequence: missense variant. On other transcripts: non-coding transcript variant (3), intron variant (2).
Genome position (GRCh38, 1-based): chrX:101,403,914, A>T on the plus strand (T>A on the coding strand, the complement: GLA is on the minus strand). VCF-style: chrX-101403914-A-T. GRCh37 (hg19) VCF-style: chrX-100658902-A-T.
Other names: c.389T>A, p.Leu130His (NM_001406747.1, NM_001406749.1); c.266T>A, p.Leu89His (NM_001406748.1); c.301-8022A>T (NM_001199973.2); c.178-8022A>T (NM_001199974.2); short protein forms L130H, L89H.
Identifiers: ClinVar variation 4087319 (VCV004087319.4).

ClinVar aggregate classification (germline): Pathogenic/Likely pathogenic. Review status: criteria provided, multiple submitters, no conflicts (2 of 4 stars). 3 submissions from 3 submitters: Pathogenic (1); Likely pathogenic (2). Last evaluated 2026-09-08.

Conditions:
Fabry disease. Also called: ALPHA-GALACTOSIDASE A DEFICIENCY; ANDERSON-FABRY DISEASE; CERAMIDE TRIHEXOSIDASE DEFICIENCY; GLA DEFICIENCY; HEREDITARY DYSTOPIC LIPIDOSIS; Angiokeratoma corporis diffusum. Identifiers: Orphanet 324, MedGen C0002986, MONDO:0010526, OMIM 301500, HP:0001071. Disease mechanism: Fabry disease is due to inactivating mutations in the X-linked GLA gene resulting in deficiency of the enzyme Alpha Galactosidase-A., loss of function.

Submissions (3):

Genomenon, Inc
Classification: Likely pathogenic for Fabry disease. Last evaluated: 2026-09-08. Review status: criteria provided, single submitter. Criteria: Genomenon Sequence Variant Interpretation Standards - Updated. Collection method: curation. Allele origin: germline. Affected: no.
Comment: GLA p.Leu89His (c.266T>A) is a missense variant that changes the amino acid at codon 89 from Leucine to Histidine. This variant has been reported in the published literature (PMID:23935525). At least one functional study has demonstrated a substantial alteration in protein function relative to the wild-type (PMID:23935525). This variant is located in a mutational hotspot and/or important functional domain. It is absent or not present at a significant frequency in gnomAD. In silico models predict that this variant is possibly or probably damaging. In conclusion, we classify GLA p.Leu89His (c.266T>A) as a likely pathogenic variant.

GeneDx
Classification: Pathogenic. Last evaluated: 2026-02-27. Review status: criteria provided, single submitter. Criteria: GeneDx Variant Classification Process June 2021. Collection method: clinical testing. Allele origin: germline.
Comment: Published functional studies found this variant is associated with significantly reduced enzyme activity (PMID: 23935525); Not observed at significant frequency in large population cohorts (gnomAD); In silico analysis supports that this missense variant has a deleterious effect on protein structure/function; This variant is associated with the following publications: (PMID: 23935525, 27657681, 39609713)

Labcorp Genetics (formerly Invitae), Labcorp
Classification: Likely pathogenic for Fabry disease. Last evaluated: 2025-09-09. Review status: criteria provided, single submitter. Criteria: Invitae Variant Classification Sherloc (09022015). Collection method: clinical testing. Allele origin: germline.
Comment: This sequence change replaces leucine, which is neutral and non-polar, with histidine, which is basic and polar, at codon 89 of the GLA protein (p.Leu89His). This variant is not present in population databases (gnomAD no frequency). This missense change has been observed in individual(s) with Fabry disease (internal data). Invitae Evidence Modeling of protein sequence and biophysical properties (such as structural, functional, and spatial information, amino acid conservation, physicochemical variation, residue mobility, and thermodynamic stability) indicates that this missense variant is expected to disrupt GLA protein function with a positive predictive value of 80%. Experimental studies have shown that this missense change affects GLA function (PMID: 23935525). This variant disrupts the p.Leu89 amino acid residue in GLA. Other variant(s) that disrupt this residue have been observed in individuals with GLA-related conditions (PMID: 9100224; Internal data), which suggests that this may be a clinically significant amino acid residue. In summary, the currently available evidence indicates that the variant is pathogenic, but additional data are needed to prove that conclusively. Therefore, this variant has been classified as Likely Pathogenic.

Literature cited by the submitters: PubMed 23935525 (cited by Genomenon, Inc and Labcorp Genetics (formerly Invitae), Labcorp); PubMed 9100224 (cited by Labcorp Genetics (formerly Invitae), Labcorp).